The following is an entry in ClinVar:

ClinVar aggregate classification (germline): Pathogenic. Review status: criteria provided, multiple submitters, no conflicts (2 of 4 stars). 2 submissions from 2 submitters: Pathogenic (2). Last evaluated 2023-12-19.

Conditions:
Brown-Vialetto-van Laere syndrome 1. Also called: BULBAR PALSY, PROGRESSIVE, WITH SENSORINEURAL DEAFNESS; PONTOBULBAR PALSY WITH DEAFNESS; BROWN-VIALETTO-VAN LAERE SYNDROME 1, MILD. Identifiers: Orphanet 572550, Orphanet 97229, MedGen C0796274, MONDO:0024537, OMIM 211530.
Inborn genetic diseases. Identifiers: MedGen C0950123, MeSH D030342.

Allele frequency attached by ClinVar (database versions not stated): gnomAD exomes 0.00001; TOPMed 0.00001; ExAC 0.00001; gnomAD 0.00001.
gnomAD v4.1: 17 of 1,613,994 alleles (0.0011%); highest among the groups gnomAD compares: African/African-American, 0.0013%; no homozygotes.

Submissions (2):

Labcorp Genetics (formerly Invitae), Labcorp
Classification: Pathogenic for Brown-Vialetto-van Laere syndrome 1. Last evaluated: 2023-12-19. Review status: criteria provided, single submitter. Criteria: Invitae Variant Classification Sherloc (09022015). Collection method: clinical testing. Allele origin: germline.
Comment: This sequence change creates a premature translational stop signal (p.Gln259*) in the SLC52A3 gene. It is expected to result in an absent or disrupted protein product. Loss-of-function variants in SLC52A3 are known to be pathogenic (PMID: 20206331, 22824638, 25462087). This variant is not present in population databases (gnomAD no frequency). This variant has not been reported in the literature in individuals affected with SLC52A3-related conditions. ClinVar contains an entry for this variant (Variation ID: 1760485). For these reasons, this variant has been classified as Pathogenic.

Ambry Genetics
Classification: Pathogenic for Inborn genetic diseases. Last evaluated: 2022-03-21. Review status: criteria provided, single submitter. Criteria: Ambry Variant Classification Scheme 2023. Collection method: clinical testing. Allele origin: germline.
Comment: The p.Q259* pathogenic mutation (also known as c.775C>T), located in coding exon 2 of the SLC52A3 gene, results from a C to T substitution at nucleotide position 775. This changes the amino acid from a glutamine to a stop codon within coding exon 2. This variant is considered to be rare based on population cohorts in the Genome Aggregation Database (gnomAD). This alteration is expected to result in loss of function by premature protein truncation or nonsense-mediated mRNA decay. As such, this alteration is interpreted as a disease-causing mutation.

Literature cited by the submitters: PubMed 20206331 (cited by Labcorp Genetics (formerly Invitae), Labcorp); PubMed 22824638 (cited by Labcorp Genetics (formerly Invitae), Labcorp); PubMed 25462087 (cited by Labcorp Genetics (formerly Invitae), Labcorp).

NM_033409.4(SLC52A3):c.775C>T (p.Gln259Ter)

Gene: SLC52A3 (solute carrier family 52 member 3; minus strand). Cytogenetic location: 20p13.
Variant type: single nucleotide variant.
Coding change: c.775C>T on transcript NM_033409.4 (MANE Select); coding-DNA position 775, C replaced by T.
Protein change: p.Gln259Ter; replaces glutamine 259 with a stop codon.
Molecular consequence: nonsense.
Genome position (GRCh38, 1-based): chr20:763,796, G>A on the plus strand (C>T on the coding strand, the complement: SLC52A3 is on the minus strand). VCF-style: chr20-763796-G-A. GRCh37 (hg19) VCF-style: chr20-744440-G-A.
Other names: c.775C>T, p.Gln259Ter (NM_001370085.1, NM_001370086.1); short protein forms Q259*.
Identifiers: ClinVar variation 1760485 (VCV001760485.5), dbSNP rs761042586, ClinGen allele CA9724685.